The following is an entry in ClinVar:

ClinVar aggregate classification (germline): Uncertain significance (1 of 4 stars; one submission).

Allele frequency attached by ClinVar (database versions not stated): ExAC 0.00001; gnomAD 0.00001; TOPMed 0.00001; gnomAD exomes 0.00002; ESP Exome Variant Server 0.00008.
gnomAD v4.1: 29 of 1,613,776 alleles (0.0018%); highest among the groups gnomAD compares: Non-Finnish European, 0.0022%; no homozygotes.

Submission:

Labcorp Genetics (formerly Invitae), Labcorp
Classification: Uncertain significance. Last evaluated: 2022-07-31. Review status: criteria provided, single submitter. Criteria: Invitae Variant Classification Sherloc (09022015). Collection method: clinical testing. Allele origin: germline.
Comment: This sequence change replaces serine, which is neutral and polar, with glycine, which is neutral and non-polar, at codon 71 of the SLC45A2 protein (p.Ser71Gly). This variant is present in population databases (rs146913714, gnomAD 0.003%). This variant has not been reported in the literature in individuals affected with SLC45A2-related conditions. ClinVar contains an entry for this variant (Variation ID: 1358678). Algorithms developed to predict the effect of missense changes on protein structure and function are either unavailable or do not agree on the potential impact of this missense change (SIFT: "Deleterious"; PolyPhen-2: "Possibly Damaging"; Align-GVGD: "Class C0"). In summary, the available evidence is currently insufficient to determine the role of this variant in disease. Therefore, it has been classified as a Variant of Uncertain Significance.

NM_016180.5(SLC45A2):c.211A>G (p.Ser71Gly)

Gene: SLC45A2 (solute carrier family 45 member 2; minus strand). Cytogenetic location: 5p13.2.
Variant type: single nucleotide variant.
Coding change: c.211A>G on transcript NM_016180.5 (MANE Select); coding-DNA position 211, A replaced by G.
Protein change: p.Ser71Gly; replaces serine 71 with glycine.
Molecular consequence: missense variant.
Genome position (GRCh38, 1-based): chr5:33,984,373, T>C on the plus strand (A>G on the coding strand, the complement: SLC45A2 is on the minus strand). VCF-style: chr5-33984373-T-C. GRCh37 (hg19) VCF-style: chr5-33984478-T-C.
Other names: c.211A>G, p.Ser71Gly (NM_001012509.4, NM_001297417.4); short protein forms S71G.
Identifiers: ClinVar variation 1358678 (VCV001358678.3), dbSNP rs146913714, ClinGen allele CA3225852.